The following is an entry in ClinVar:

ClinVar aggregate classification (germline): Uncertain significance (1 of 4 stars; one submission).

Allele frequency attached by ClinVar (database versions not stated): TOPMed below 0.00001; gnomAD 0.00001.
gnomAD v4.1: 1 of 1,614,012 alleles (0.000062%); highest among the groups gnomAD compares: Admixed American, 0.0017%; no homozygotes.

Submission:

Labcorp Genetics (formerly Invitae), Labcorp
Classification: Uncertain significance. Last evaluated: 2023-12-21. Review status: criteria provided, single submitter. Criteria: Invitae Variant Classification Sherloc (09022015). Collection method: clinical testing. Allele origin: germline.
Comment: This sequence change replaces proline, which is neutral and non-polar, with threonine, which is neutral and polar, at codon 5071 of the USH2A protein (p.Pro5071Thr). This variant is present in population databases (no rsID available, gnomAD no frequency). This variant has not been reported in the literature in individuals affected with USH2A-related conditions. ClinVar contains an entry for this variant (Variation ID: 1904290). Advanced modeling of protein sequence and biophysical properties (such as structural, functional, and spatial information, amino acid conservation, physicochemical variation, residue mobility, and thermodynamic stability) has been performed at Invitae for this missense variant, however the output from this modeling did not meet the statistical confidence thresholds required to predict the impact of this variant on USH2A protein function. In summary, the available evidence is currently insufficient to determine the role of this variant in disease. Therefore, it has been classified as a Variant of Uncertain Significance.

NM_206933.4(USH2A):c.15211C>A (p.Pro5071Thr)

Gene: USH2A (usherin; minus strand). Cytogenetic location: 1q41.
Variant type: single nucleotide variant.
Coding change: c.15211C>A on transcript NM_206933.4 (MANE Select); coding-DNA position 15211, C replaced by A.
Protein change: p.Pro5071Thr; replaces proline 5071 with threonine.
Molecular consequence: missense variant.
Genome position (GRCh38, 1-based): chr1:215,634,545, G>T on the plus strand (C>A on the coding strand, the complement: USH2A is on the minus strand). VCF-style: chr1-215634545-G-T. GRCh37 (hg19) VCF-style: chr1-215807887-G-T.
Other names: short protein forms P5071T.
Identifiers: ClinVar variation 1904290 (VCV001904290.5), dbSNP rs1178426573, ClinGen allele CA344823693.